The following is an entry in ClinVar:

NM_001079872.2(CUL4B):c.141CAG[3] (p.Ser49_Asn50insSer)

Genes: CUL4B (cullin 4B; minus strand), LOC113845788 (Sharpr-MPRA regulatory region 11856; plus strand). Cytogenetic location: Xq24.
Variant type: Microsatellite.
Coding change: c.141CAG[3] on transcript NM_001079872.2 (MANE Select); three copies in a row of the 3-base unit CAG starting at c.141; the reference has two copies in a row; one copy, 3 bases duplicated.
Protein change: p.Ser49_Asn50insSer.
Molecular consequence: inframe insertion.
Genome position (GRCh38, 1-based): chrX:120,560,493-120,560,495, CTG duplicated on the plus strand (CAG on the coding strand, the reverse complement: CUL4B is on the minus strand); duplicating any 3 consecutive bases within chrX:120,560,493-120,560,500 gives the same sequence; the position shown is the placement nearest the transcript's 3' end. VCF-style (leftmost placement, unchanged base first): chrX-120560492-A-ACTG. GRCh37 (hg19) VCF-style: chrX-119694347-A-ACTG.
Other names: c.198_200dupCAG (NM_003588.3); c.156CAG[3], p.Ser54_Asn55insSer (NM_001330624.2); c.195CAG[3], p.Ser67_Asn68insSer (NM_003588.4).
Identifiers: ClinVar variation 1903777 (VCV001903777.6), dbSNP rs2521200675, ClinGen allele CA2580612470.

ClinVar aggregate classification (germline): Uncertain significance. Review status: criteria provided, multiple submitters, no conflicts (2 of 4 stars). 2 submissions from 2 submitters: Uncertain significance (2). Last evaluated 2024-11-25.

Conditions:
CUL4B-related disorder. Also called: CUL4B-related condition.
X-linked intellectual disability Cabezas type (MRXSC). Also called: CABEZAS SYNDROME; MENTAL RETARDATION, X-LINKED, SYNDROMIC 15; Intellectual developmental disorder, X-linked syndromic, Cabezas type. Identifiers: Orphanet 85289, Orphanet 85293, MedGen C1845861, MONDO:0010306, OMIM 300354.

Submissions (2):

PreventionGenetics, part of Exact Sciences
Classification: Uncertain significance for CUL4B-related condition. Last evaluated: 2024-11-25. Review status: criteria provided, single submitter. Criteria: ACMG Guidelines, 2015. Collection method: clinical testing. Allele origin: germline.
Comment: The CUL4B c.198_200dupCAG variant is predicted to result in an in-frame duplication (p.Ser67dup). To our knowledge, this variant has not been reported in the literature or in a large population database (gnomAD), indicating this variant is rare. This serine duplication occurs in a run of 7 serine, and preserves the reading frame. Although we suspect that this variant may be benign, at this time, the clinical significance of this variant is uncertain due to the absence of conclusive functional and genetic evidence.

Labcorp Genetics (formerly Invitae), Labcorp
Classification: Uncertain significance for X-linked intellectual disability Cabezas type. Last evaluated: 2022-02-24. Review status: criteria provided, single submitter. Criteria: Invitae Variant Classification Sherloc (09022015). Collection method: clinical testing. Allele origin: germline.
Comment: This variant, c.198_200dup, results in the insertion of 1 amino acid(s) of the CUL4B protein (p.Ser67dup), but otherwise preserves the integrity of the reading frame. This variant is not present in population databases (gnomAD no frequency). This variant has not been reported in the literature in individuals affected with CUL4B-related conditions. In summary, the available evidence is currently insufficient to determine the role of this variant in disease. Therefore, it has been classified as a Variant of Uncertain Significance.